The following is an entry in ClinVar:

ClinVar aggregate classification (germline): Uncertain significance. Review status: criteria provided, multiple submitters, no conflicts (2 of 4 stars). 3 submissions from 3 submitters: Uncertain significance (3). Last evaluated 2025-08-13.

Conditions:
Inborn genetic diseases. Identifiers: MedGen C0950123, MeSH D030342.

Allele frequency attached by ClinVar (database versions not stated): gnomAD exomes 0.00005; ExAC 0.00008; ESP Exome Variant Server 0.00008; gnomAD 0.00008; TOPMed 0.00011.
gnomAD v4.1: 88 of 1,613,874 alleles (0.0055%); highest among the groups gnomAD compares: Non-Finnish European, 0.0069%; no homozygotes.

Submissions (3):

Ambry Genetics
Classification: Uncertain significance for Inborn genetic diseases. Last evaluated: 2025-08-13. Review status: criteria provided, single submitter. Criteria: Ambry Variant Classification Scheme 2023. Collection method: clinical testing. Allele origin: germline.

Labcorp Genetics (formerly Invitae), Labcorp
Classification: Uncertain significance. Last evaluated: 2024-01-02. Review status: criteria provided, single submitter. Criteria: Invitae Variant Classification Sherloc (09022015). Collection method: clinical testing. Allele origin: germline.
Comment: This sequence change replaces threonine, which is neutral and polar, with isoleucine, which is neutral and non-polar, at codon 129 of the KIAA1549 protein (p.Thr129Ile). This variant is present in population databases (rs201427037, gnomAD 0.01%). This variant has not been reported in the literature in individuals affected with KIAA1549-related conditions. ClinVar contains an entry for this variant (Variation ID: 849198). An algorithm developed to predict the effect of missense changes on protein structure and function (PolyPhen-2) suggests that this variant is likely to be disruptive. In summary, the available evidence is currently insufficient to determine the role of this variant in disease. Therefore, it has been classified as a Variant of Uncertain Significance.

Blueprint Genetics
Classification: Uncertain significance. Last evaluated: 2023-12-11. Review status: criteria provided, single submitter. Criteria: ACMG Guidelines, 2015. Collection method: clinical testing. Allele origin: germline.

NM_001164665.2(KIAA1549):c.386C>T (p.Thr129Ile)

Gene: KIAA1549 (KIAA1549; minus strand). Cytogenetic location: 7q34.
Variant type: single nucleotide variant.
Coding change: c.386C>T on transcript NM_001164665.2 (MANE Select); coding-DNA position 386, C replaced by T.
Protein change: p.Thr129Ile; replaces threonine 129 with isoleucine.
Molecular consequence: missense variant.
Genome position (GRCh38, 1-based): chr7:138,919,240, G>A on the plus strand (C>T on the coding strand, the complement: KIAA1549 is on the minus strand). VCF-style: chr7-138919240-G-A. GRCh37 (hg19) VCF-style: chr7-138603986-G-A.
Other names: c.386C>T, p.Thr129Ile (NM_020910.3); short protein forms T129I.
Identifiers: ClinVar variation 849198 (VCV000849198.7), dbSNP rs201427037, ClinGen allele CA4506957.
Genomic context (GRCh38, chr7:138,919,240, plus strand): 5'-TCTTTACTCGTCACTGACACGTAAGTTGCCACAAAGATGCTGGGATCTGCTGTACTTTTG[G>A]TCTGTTTTCCTTGGTTAAAAAAGGCTGTATCAAAAGTAGTGGCAGACGGCGGGGCTGTGA-3'
Protein context (NP_001158137.1, residues 119-139): DTAFFNQGKQ[Thr129Ile]KSTADPSIFV